The following is an entry in ClinVar:

ClinVar aggregate classification (germline): Uncertain significance (1 of 4 stars; one submission).

Conditions:
Hyperekplexia 3 (HKPX3). Also called: HYPEREKPLEXIA 3, AUTOSOMAL RECESSIVE; HYPEREKPLEXIA 3, AUTOSOMAL DOMINANT. Identifiers: Orphanet 3197, MedGen C3553288, MONDO:0013827, OMIM 614618.

Allele frequency attached by ClinVar (database versions not stated): gnomAD exomes below 0.00001; gnomAD 0.00001.
gnomAD v4.1: 2 of 1,591,282 alleles (0.00013%); highest among the groups gnomAD compares: African/African-American, 0.0013%; no homozygotes.

Submission:

Labcorp Genetics (formerly Invitae), Labcorp
Classification: Uncertain significance for Hyperekplexia 3. Last evaluated: 2021-07-28. Review status: criteria provided, single submitter. Criteria: Invitae Variant Classification Sherloc (09022015). Collection method: clinical testing. Allele origin: germline.
Comment: This sequence change replaces methionine with isoleucine at codon 9 of the SLC6A5 protein (p.Met9Ile). The methionine residue is moderately conserved and there is a small physicochemical difference between methionine and isoleucine. This variant is not present in population databases (ExAC no frequency). This variant has not been reported in the literature in individuals affected with SLC6A5-related conditions. Advanced modeling of protein sequence and biophysical properties (such as structural, functional, and spatial information, amino acid conservation, physicochemical variation, residue mobility, and thermodynamic stability) performed at Invitae indicates that this missense variant is not expected to disrupt SLC6A5 protein function. In summary, the available evidence is currently insufficient to determine the role of this variant in disease. Therefore, it has been classified as a Variant of Uncertain Significance.

NM_004211.5(SLC6A5):c.27G>A (p.Met9Ile)

Gene: SLC6A5 (solute carrier family 6 member 5; plus strand). Cytogenetic location: 11p15.1.
Variant type: single nucleotide variant.
Coding change: c.27G>A on transcript NM_004211.5 (MANE Select); coding-DNA position 27, G replaced by A.
Protein change: p.Met9Ile; replaces methionine 9 with isoleucine.
Molecular consequence: missense variant. On other transcripts: 5 prime UTR variant (1).
Genome position (GRCh38, 1-based): chr11:20,601,152, G>A. VCF-style: chr11-20601152-G-A. GRCh37 (hg19) VCF-style: chr11-20622698-G-A.
Other names: c.-537G>A (NM_001318369.2); short protein forms M9I.
Identifiers: ClinVar variation 1466197 (VCV001466197.3), dbSNP rs1407334436, ClinGen allele CA379910510.